The following is an entry in ClinVar:

ClinVar aggregate classification (germline): Uncertain significance. Review status: criteria provided, multiple submitters, no conflicts (2 of 4 stars). 2 submissions from 2 submitters: Uncertain significance (2). Last evaluated 2024-06-10.

Conditions:
POLD1-related polyposis and colorectal cancer syndrome (CRCS10). Also called: Colorectal cancer 10; COLORECTAL CANCER, SUSCEPTIBILITY TO, ON CHROMOSOME 19q; Colorectal cancer, susceptibility to, 10. Identifiers: Orphanet 220460, MedGen C2675481, MONDO:0012953, OMIM 612591.

Submissions (2):

Labcorp Genetics (formerly Invitae), Labcorp
Classification: Uncertain significance for POLD1-related polyposis and colorectal cancer syndrome. Last evaluated: 2024-06-10. Review status: criteria provided, single submitter. Criteria: Invitae Variant Classification Sherloc (09022015). Collection method: clinical testing. Allele origin: germline.
Comment: This sequence change affects a donor splice site in intron 17 of the POLD1 gene. Missense variants that disrupt the 3'-5' exonuclease (proof-reading) activity of the POLD1 protein are associated with PPAP (polymerase proofreading–associated polyposis) (PMID: 23263490, 23447401). However, loss-of-function variants that result in an absent or severely disrupted POLD1 protein, and missense variants outside the exonuclease domain, are unlikely to be associated with PPAP. This variant is not present in population databases (gnomAD no frequency). This variant has not been reported in the literature in individuals affected with POLD1-related conditions. ClinVar contains an entry for this variant (Variation ID: 505439). Algorithms developed to predict the effect of sequence changes on RNA splicing suggest that this variant may disrupt the consensus splice site. In summary, the available evidence is currently insufficient to determine the role of this variant in disease. Therefore, it has been classified as a Variant of Uncertain Significance.

Laboratory for Molecular Medicine, Mass General Brigham Personalized Medicine
Classification: Uncertain significance. Last evaluated: 2016-11-23. Review status: criteria provided, single submitter. Criteria: LMM Criteria. Collection method: clinical testing. Allele origin: germline. Observed: 1 variant allele.
Comment: The c.2154+2T>C variant in POLD1 has not been previously reported in individuals with colorectal cancer or in large population studies. This variant occurs in t he invariant region (+/- 1,2) of the splice consensus sequence and is predicted to cause altered splicing leading to an abnormal or absent protein. Although thi s variant is expected severely impact the protein, the POLD1 gene has not yet be en widely studied in patients (to date, virtually all variants reported in patie nts with CRC represent missense changes). In summary, the clinical significance of the c.2154+2T>C variant is uncertain.

Literature cited by the submitters: PubMed 23263490 (cited by Labcorp Genetics (formerly Invitae), Labcorp); PubMed 23447401 (cited by Labcorp Genetics (formerly Invitae), Labcorp).

NM_002691.4(POLD1):c.2154+2T>C

Gene: POLD1 (DNA polymerase delta 1, catalytic subunit; plus strand). Cytogenetic location: 19q13.33.
Variant type: single nucleotide variant.
Coding change: c.2154+2T>C on transcript NM_002691.4 (MANE Select); the canonical splice donor site of the intron after coding-DNA position 2154, T replaced by C.
Molecular consequence: splice donor variant.
Genome position (GRCh38, 1-based): chr19:50,409,668, T>C. VCF-style: chr19-50409668-T-C. GRCh37 (hg19) VCF-style: chr19-50912925-T-C.
Other names: c.2154+2T>C (NM_001256849.1); c.2232+2T>C (NM_001308632.1).
Identifiers: ClinVar variation 505439 (VCV000505439.15), dbSNP rs1555792026, ClinGen allele CA406982746.